The following is an entry in ClinVar:

ClinVar aggregate classification (germline): Uncertain significance (1 of 4 stars; one submission).

Submission:

Labcorp Genetics (formerly Invitae), Labcorp
Classification: Uncertain significance. Last evaluated: 2022-04-28. Review status: criteria provided, single submitter. Criteria: Invitae Variant Classification Sherloc (09022015). Collection method: clinical testing. Allele origin: germline.
Comment: This sequence change replaces aspartic acid, which is acidic and polar, with tyrosine, which is neutral and polar, at codon 217 of the PEX11B protein (p.Asp217Tyr). In summary, the available evidence is currently insufficient to determine the role of this variant in disease. Therefore, it has been classified as a Variant of Uncertain Significance. Algorithms developed to predict the effect of missense changes on protein structure and function are either unavailable or do not agree on the potential impact of this missense change (SIFT: "Deleterious"; PolyPhen-2: "Probably Damaging"; Align-GVGD: "Class C15"). This variant has not been reported in the literature in individuals affected with PEX11B-related conditions. This variant is not present in population databases (gnomAD no frequency).

NM_003846.3(PEX11B):c.649G>T (p.Asp217Tyr)

Gene: PEX11B (peroxisomal biogenesis factor 11 beta; minus strand). Cytogenetic location: 1q21.1.
Variant type: single nucleotide variant.
Coding change: c.649G>T on transcript NM_003846.3 (MANE Select); coding-DNA position 649, G replaced by T.
Protein change: p.Asp217Tyr; replaces aspartic acid 217 with tyrosine.
Molecular consequence: missense variant. On other transcripts: non-coding transcript variant (3).
Genome position (GRCh38, 1-based): chr1:145,912,292, C>A on the plus strand (G>T on the coding strand, the complement: PEX11B is on the minus strand). VCF-style: chr1-145912292-C-A. GRCh37 (hg19) VCF-style: chr1-145522788-G-T.
Other names: c.607G>T, p.Asp203Tyr (NM_001184795.1); short protein forms D203Y, D217Y.
Identifiers: ClinVar variation 2131408 (VCV002131408.4), dbSNP rs2525401744, ClinGen allele CA342120677.